The following is an entry in ClinVar:

ClinVar aggregate classification (germline): Likely benign. Review status: criteria provided, multiple submitters, no conflicts (2 of 4 stars). 3 submissions from 3 submitters: Likely benign (2). 1 of the submissions does not count toward it. Last evaluated 2025-03-27.

Conditions:
LTBP3-related disorder. Also called: LTBP3-related condition.
Inborn genetic diseases. Identifiers: MedGen C0950123, MeSH D030342.
Brachyolmia-amelogenesis imperfecta syndrome. Also called: PLATYSPONDYLY WITH AMELOGENESIS IMPERFECTA; Tooth agenesis, selective, 6; Dental anomalies and short stature. Identifiers: Orphanet 2899, MedGen C1832594, MONDO:0011018, OMIM 601216. Disease mechanism: loss of function.

Allele frequency attached by ClinVar (database versions not stated): gnomAD exomes 0.00001 and 0.00002; ExAC 0.00007; gnomAD 0.00013 and 0.00014; TOPMed 0.00015; 1000 Genomes Project 30x 0.00016; ESP Exome Variant Server 0.00018; 1000 Genomes Project 0.00020.

Submissions (3):

Labcorp Genetics (formerly Invitae), Labcorp
Classification: Likely benign for Brachyolmia-amelogenesis imperfecta syndrome. Last evaluated: 2025-03-27. Review status: criteria provided, single submitter. Criteria: Invitae Variant Classification Sherloc (09022015). Collection method: clinical testing. Allele origin: germline.

Ambry Genetics
Classification: Likely benign for Inborn genetic diseases. Last evaluated: 2022-03-04. Review status: criteria provided, single submitter. Criteria: Ambry Variant Classification Scheme 2023. Collection method: clinical testing. Allele origin: germline.

PreventionGenetics, part of Exact Sciences
Classification: Likely benign for LTBP3-related condition. Last evaluated: 2024-04-01. Review status: no assertion criteria provided. Collection method: clinical testing. Allele origin: germline. Not counted in ClinVar's aggregate classification.
Comment: This variant is classified as likely benign based on ACMG/AMP sequence variant interpretation guidelines (Richards et al. 2015 PMID: 25741868, with internal and published modifications).

NM_001130144.3(LTBP3):c.3708G>C (p.Val1236=)

Gene: LTBP3 (latent transforming growth factor beta binding protein 3; minus strand). Cytogenetic location: 11q13.1.
Variant type: single nucleotide variant.
Coding change: c.3708G>C on transcript NM_001130144.3 (MANE Select); coding-DNA position 3708, G replaced by C.
Protein change: p.Val1236=; no amino-acid change (valine 1236 retained).
Molecular consequence: synonymous variant.
Genome position (GRCh38, 1-based): chr11:65,539,380, C>G on the plus strand (G>C on the coding strand, the complement: LTBP3 is on the minus strand). VCF-style: chr11-65539380-C-G. GRCh37 (hg19) VCF-style: chr11-65306851-C-G.
Other names: c.3216G>C, p.Val1072= (NM_001164266.1); c.3567G>C, p.Val1189= (NM_021070.4).
Identifiers: ClinVar variation 1632148 (VCV001632148.11), dbSNP rs368633346, ClinGen allele CA6100197.